The following is an entry in ClinVar:

NM_006343.3(MERTK):c.1144G>C (p.Ala382Pro)

Genes: MERTK (MER proto-oncogene, tyrosine kinase; plus strand), LOC112806037 (Sharpr-MPRA regulatory region 3720; plus strand). Cytogenetic location: 2q13.
Variant type: single nucleotide variant.
Coding change: c.1144G>C on transcript NM_006343.3 (MANE Select); coding-DNA position 1144, G replaced by C.
Protein change: p.Ala382Pro; replaces alanine 382 with proline.
Molecular consequence: missense variant.
Genome position (GRCh38, 1-based): chr2:111,975,472, G>C. VCF-style: chr2-111975472-G-C. GRCh37 (hg19) VCF-style: chr2-112733049-G-C.
Other names: short protein forms A382P.
Identifiers: ClinVar variation 2430669 (VCV002430669.4), dbSNP rs2466829611, ClinGen allele CA348233890.

ClinVar aggregate classification (germline): Uncertain significance. Review status: criteria provided, multiple submitters, no conflicts (2 of 4 stars). 2 submissions from 2 submitters: Uncertain significance (2). Last evaluated 2024-07-29.

Submissions (2):

Labcorp Genetics (formerly Invitae), Labcorp
Classification: Uncertain significance. Last evaluated: 2024-07-29. Review status: criteria provided, single submitter. Criteria: Invitae Variant Classification Sherloc (09022015). Collection method: clinical testing. Allele origin: germline.
Comment: This sequence change replaces alanine, which is neutral and non-polar, with proline, which is neutral and non-polar, at codon 382 of the MERTK protein (p.Ala382Pro). This variant also falls at the last nucleotide of exon 7, which is part of the consensus splice site for this exon. This variant is not present in population databases (gnomAD no frequency). This missense change has been observed in individual(s) with retinitis pigmentosa (Invitae). ClinVar contains an entry for this variant (Variation ID: 2430669). An algorithm developed to predict the effect of missense changes on protein structure and function (PolyPhen-2) suggests that this variant is likely to be tolerated. Variants that disrupt the consensus splice site are a relatively common cause of aberrant splicing (PMID: 17576681, 9536098). Algorithms developed to predict the effect of sequence changes on RNA splicing suggest that this variant may disrupt the consensus splice site. In summary, the available evidence is currently insufficient to determine the role of this variant in disease. Therefore, it has been classified as a Variant of Uncertain Significance.

GeneDx
Classification: Uncertain significance. Last evaluated: 2022-08-10. Review status: criteria provided, single submitter. Criteria: GeneDx Variant Classification Process June 2021. Collection method: clinical testing. Allele origin: germline. Affected: yes.
Comment: In silico analysis supports that this missense variant does not alter protein structure/function; In silico analysis suggests this variant may impact gene splicing. In the absence of RNA/functional studies, the actual effect of this sequence change is unknown.; Not observed at significant frequency in large population cohorts (gnomAD); Has not been previously published as pathogenic or benign to our knowledge

Literature cited by the submitters: PubMed 17576681 (cited by Labcorp Genetics (formerly Invitae), Labcorp); PubMed 9536098 (cited by Labcorp Genetics (formerly Invitae), Labcorp).